The following is an entry in ClinVar:

NM_001081.4(CUBN):c.427A>C (p.Asn143His)

Gene: CUBN (cubilin; minus strand). Cytogenetic location: 10p13.
Variant type: single nucleotide variant.
Coding change: c.427A>C on transcript NM_001081.4 (MANE Select); coding-DNA position 427, A replaced by C.
Protein change: p.Asn143His; replaces asparagine 143 with histidine.
Molecular consequence: missense variant.
Genome position (GRCh38, 1-based): chr10:17,123,650, T>G on the plus strand (A>C on the coding strand, the complement: CUBN is on the minus strand). VCF-style: chr10-17123650-T-G. GRCh37 (hg19) VCF-style: chr10-17165649-T-G.
Other names: c.427A>C (NM_001081.3); short protein forms N143H.
Identifiers: ClinVar variation 1040445 (VCV001040445.13), dbSNP rs151018922, ClinGen allele CA5425668.

ClinVar aggregate classification (germline): Uncertain significance. Review status: criteria provided, multiple submitters, no conflicts (2 of 4 stars). 6 submissions from 6 submitters: Uncertain significance (6). Last evaluated 2026-08-11.

Conditions:
CUBN-related disorder. Also called: CUBN-related condition.
Proteinuria, chronic benign. Identifiers: MedGen C5394384, MONDO:0030042, OMIM 618884.
Imerslund-Grasbeck syndrome type 1 (IGS1). Also called: Megaloblastic anemia 1, Finnish type; MEGALOBLASTIC ANEMIA, 1; Imerslund-Gräsbeck syndrome 1. Identifiers: MedGen C4016819, MONDO:0100156, OMIM 261100.
Inborn genetic diseases. Identifiers: MedGen C0950123, MeSH D030342.
Imerslund-Grasbeck syndrome. Also called: Megaloblastic anemia due to inborn errors of metabolism; ENTEROCYTE COBALAMIN MALABSORPTION; ENTEROCYTE INTRINSIC FACTOR RECEPTOR, DEFECT OF; PERNICIOUS ANEMIA, JUVENILE, DUE TO SELECTIVE INTESTINAL MALABSORPTION OF VITAMIN B12, WITH PROTEINURIA; Imerslund-Gräsbeck syndrome. Identifiers: Orphanet 35858, MedGen C4551825, MONDO:0009853.

Allele frequency attached by ClinVar (database versions not stated): gnomAD exomes 0.00001 and 0.00003; ExAC 0.00002; TOPMed 0.00011; gnomAD 0.00013 and 0.00015; ESP Exome Variant Server 0.00023.
gnomAD v4.1: 32 of 1,613,968 alleles (0.002%); highest among the groups gnomAD compares: African/African-American, 0.036%; no homozygotes.

Submissions (6):

PreventionGenetics, part of Exact Sciences
Classification: Uncertain significance for CUBN-related condition. Last evaluated: 2026-08-11. Review status: criteria provided, single submitter. Criteria: ACMG Guidelines, 2015. Collection method: clinical testing. Allele origin: germline.
Comment: The CUBN c.427A>C variant is predicted to result in the amino acid substitution p.Asn143His. To our knowledge, this variant has not been reported in the literature. This variant is reported in 0.052% of alleles in individuals of African descent in gnomAD. Although we suspect that this variant may be benign, at this time, the clinical significance of this variant is uncertain due to the absence of conclusive functional and genetic evidence.

Ambry Genetics
Classification: Uncertain significance for Inborn genetic diseases. Last evaluated: 2025-10-03. Review status: criteria provided, single submitter. Criteria: Ambry Variant Classification Scheme 2023. Collection method: clinical testing. Allele origin: germline.

Labcorp Genetics (formerly Invitae), Labcorp
Classification: Uncertain significance for Imerslund-Grasbeck syndrome. Last evaluated: 2025-06-12. Review status: criteria provided, single submitter. Criteria: Invitae Variant Classification Sherloc (09022015). Collection method: clinical testing. Allele origin: germline.
Comment: This sequence change replaces asparagine, which is neutral and polar, with histidine, which is basic and polar, at codon 143 of the CUBN protein (p.Asn143His). This variant is present in population databases (rs151018922, gnomAD 0.05%). This variant has not been reported in the literature in individuals affected with CUBN-related conditions. ClinVar contains an entry for this variant (Variation ID: 1040445). Invitae Evidence Modeling of protein sequence and biophysical properties (such as structural, functional, and spatial information, amino acid conservation, physicochemical variation, residue mobility, and thermodynamic stability) indicates that this missense variant is not expected to disrupt CUBN protein function with a negative predictive value of 80%. In summary, the available evidence is currently insufficient to determine the role of this variant in disease. Therefore, it has been classified as a Variant of Uncertain Significance.

Fulgent Genetics
Classification: Uncertain significance for Imerslund-Grasbeck syndrome type 1; Proteinuria, chronic benign. Last evaluated: 2024-05-23. Review status: criteria provided, single submitter. Criteria: ACMG Guidelines, 2015. Collection method: clinical testing. Allele origin: germline.

GeneDx
Classification: Uncertain significance. Last evaluated: 2024-04-30. Review status: criteria provided, single submitter. Criteria: GeneDx Variant Classification Process June 2021. Collection method: clinical testing. Allele origin: germline. Affected: yes.
Comment: In silico analysis supports that this missense variant has a deleterious effect on protein structure/function; Has not been previously published as pathogenic or benign to our knowledge

Institute for Clinical Genetics, University Hospital TU Dresden, University Hospital TU Dresden
Classification: Uncertain significance. Last evaluated: 2022-12-14. Review status: criteria provided, single submitter. Criteria: ACMG Guidelines, 2015. Collection method: clinical testing. Allele origin: germline.
Comment: PP3, PM2_SUP